The following is an entry in ClinVar:

ClinVar aggregate classification (germline): Uncertain significance (1 of 4 stars; one submission).

Submission:

CeGaT Center for Human Genetics Tuebingen
Classification: Uncertain significance. Last evaluated: 2024-03-01. Review status: criteria provided, single submitter. Criteria: CeGaT Center For Human Genetics Tuebingen Variant Classification Criteria Version 2. Collection method: clinical testing. Allele origin: germline. Affected: yes. Observed: 1 variant allele.
Comment: TBCD: PM2, BP4

NM_005993.5(TBCD):c.1088-5T>C

Gene: TBCD (tubulin folding cofactor D). Cytogenetic location: 17q25.3.
Variant type: single nucleotide variant.
Coding change: c.1088-5T>C on transcript NM_005993.5 (MANE Select); 5 bases into the intron before coding-DNA position 1088, T replaced by C.
Molecular consequence: intron variant.
Genome position (GRCh38, 1-based): chr17:82,807,603, T>C. VCF-style: chr17-82807603-T-C. GRCh37 (hg19) VCF-style: chr17-80765479-T-C.
Other names: c.1088-5T>C (NM_001411102.1); c.1037-5T>C (NM_001411101.1).
Identifiers: ClinVar variation 3067622 (VCV003067622.21), dbSNP rs2510883227, ClinGen allele CA2640708796.
Genomic context (GRCh38, chr17:82,807,603, plus strand): 5'-CTTACAGCTGGGAAACTAGGAACTTTGTGTGGACTCTGTCACGCATCACCTTCCTCTTCC[T>C]ACAGAGCAGCTGCTGGTCGGGCTGAAGGACAAGGACACGGTCGTGCGGTGGTCTGCAGCC-3'